The following is an entry in ClinVar:

ClinVar aggregate classification (germline): Uncertain significance. Review status: criteria provided, multiple submitters, no conflicts (2 of 4 stars). 2 submissions from 2 submitters: Uncertain significance (2). Last evaluated 2024-08-28.

Conditions:
RASopathy. Also called: rasopathies; Noonan spectrum disorder. Identifiers: Orphanet 536391, MedGen C5555857, MONDO:0021060.

Allele frequency attached by ClinVar (database versions not stated): TOPMed below 0.00001; gnomAD 0.00001; gnomAD exomes 0.00001 and 0.00002.
gnomAD v4.1: 25 of 1,550,982 alleles (0.0016%); highest among the groups gnomAD compares: Non-Finnish European, 0.0021%; no homozygotes.

Submissions (2):

Labcorp Genetics (formerly Invitae), Labcorp
Classification: Uncertain significance for RASopathy. Last evaluated: 2024-08-28. Review status: criteria provided, single submitter. Criteria: Invitae Variant Classification Sherloc (09022015). Collection method: clinical testing. Allele origin: germline.
Comment: This sequence change falls in intron 9 of the MAP2K2 gene. It does not directly change the encoded amino acid sequence of the MAP2K2 protein. It affects a nucleotide within the consensus splice site. This variant is present in population databases (no rsID available, gnomAD 0.006%). This variant has not been reported in the literature in individuals affected with MAP2K2-related conditions. ClinVar contains an entry for this variant (Variation ID: 505191). Variants that disrupt the consensus splice site are a relatively common cause of aberrant splicing (PMID: 17576681, 9536098). Algorithms developed to predict the effect of sequence changes on RNA splicing suggest that this variant is not likely to affect RNA splicing. In summary, the available evidence is currently insufficient to determine the role of this variant in disease. Therefore, it has been classified as a Variant of Uncertain Significance.

Laboratory for Molecular Medicine, Mass General Brigham Personalized Medicine
Classification: Uncertain significance. Last evaluated: 2016-06-24. Review status: criteria provided, single submitter. Criteria: LMM Criteria. Collection method: clinical testing. Allele origin: germline. Observed: 1 variant allele.
Comment: The c.1046+4G>A variant in MAP2K2 has not been previously reported in individual s with clinical features of a RASopathy or in large population studies. This var iant is located in the 5' splice region. Computational tools do not suggest an i mpact to splicing. However, this information is not predictive enough to rule ou t pathogenicity. Currently, splice variants are not a known mechanism of disease in individuals with a RASopathy. In summary, the clinical significance of the c .1046+4G>A variant is uncertain.

Literature cited by the submitters: PubMed 17576681 (cited by Labcorp Genetics (formerly Invitae), Labcorp); PubMed 9536098 (cited by Labcorp Genetics (formerly Invitae), Labcorp).

NM_030662.4(MAP2K2):c.1046+4G>A

Gene: MAP2K2 (mitogen-activated protein kinase kinase 2; minus strand). Cytogenetic location: 19p13.3.
Variant type: single nucleotide variant.
Coding change: c.1046+4G>A on transcript NM_030662.4 (MANE Select); 4 bases into the intron after coding-DNA position 1046, G replaced by A.
Molecular consequence: intron variant.
Genome position (GRCh38, 1-based): chr19:4,095,384, C>T on the plus strand (G>A on the coding strand, the complement: MAP2K2 is on the minus strand). VCF-style: chr19-4095384-C-T. GRCh37 (hg19) VCF-style: chr19-4095382-C-T.
Identifiers: ClinVar variation 505191 (VCV000505191.6), dbSNP rs1011864039, ClinGen allele CA304447524.
Genomic context (GRCh38, chr19:4,095,384, plus strand): 5'-GGACCCGGAAGGAGTGGCACATCTGGGTCCCGGCCAGGGGTGTGGGCAGCCCGGCTCCAC[C>T]TACCATTTATTGACAAACTCCTGGAAGTCGGGGGTGAACACACCGTTGGGCAGCTTAGGA-3'